The following is an entry in ClinVar:

ClinVar aggregate classification (germline): Uncertain significance (1 of 4 stars; one submission).

Conditions:
PLXNA2-related disorder. Also called: PLXNA2-related condition.

Submission:

PreventionGenetics, part of Exact Sciences
Classification: Uncertain significance for PLXNA2-related condition. Last evaluated: 2026-05-18. Review status: criteria provided, single submitter. Criteria: ACMG Guidelines, 2015. Collection method: clinical testing. Allele origin: germline.
Comment: The PLXNA2 c.4846A>T variant is predicted to result in the amino acid substitution p.Thr1616Ser. To our knowledge, this variant has not been reported in the literature. This variant is reported in 0.0062% of alleles in individuals of African descent in gnomAD. At this time, the clinical significance of this variant is uncertain due to the absence of conclusive functional and genetic evidence.

NM_025179.4(PLXNA2):c.4846A>T (p.Thr1616Ser)

Gene: PLXNA2 (plexin A2; minus strand). Cytogenetic location: 1q32.2.
Variant type: single nucleotide variant.
Coding change: c.4846A>T on transcript NM_025179.4 (MANE Select); coding-DNA position 4846, A replaced by T.
Protein change: p.Thr1616Ser; replaces threonine 1616 with serine.
Molecular consequence: missense variant.
Genome position (GRCh38, 1-based): chr1:208,034,511, T>A on the plus strand (A>T on the coding strand, the complement: PLXNA2 is on the minus strand). VCF-style: chr1-208034511-T-A. GRCh37 (hg19) VCF-style: chr1-208207856-T-A.
Other names: short protein forms T1616S.
Identifiers: ClinVar variation 4982326 (VCV004982326.1).